The following is an entry in ClinVar:

NM_001377.3(DYNC2H1):c.7143A>G (p.Val2381=)

Gene: DYNC2H1 (dynein cytoplasmic 2 heavy chain 1; plus strand). Cytogenetic location: 11q22.3.
Variant type: single nucleotide variant.
Coding change: c.7143A>G on transcript NM_001377.3 (MANE Select); coding-DNA position 7143, A replaced by G.
Protein change: p.Val2381=; no amino-acid change (valine 2381 retained).
Molecular consequence: synonymous variant.
Genome position (GRCh38, 1-based): chr11:103,188,499, A>G. VCF-style: chr11-103188499-A-G. GRCh37 (hg19) VCF-style: chr11-103059228-A-G.
Other names: c.7143A>G, p.Val2381= (NM_001080463.2).
Identifiers: ClinVar variation 302061 (VCV000302061.23), dbSNP rs79832792, ClinGen allele CA6254172.

ClinVar aggregate classification (germline): Benign/Likely benign. Review status: criteria provided, multiple submitters, no conflicts (2 of 4 stars). 4 submissions from 4 submitters: Benign (3); Likely benign (1). Last evaluated 2026-02-02.

Conditions:
Asphyxiating thoracic dystrophy 3. Also called: SHORT-RIB THORACIC DYSPLASIA 3 WITH OR WITHOUT POLYDACTYLY; POLYDACTYLY WITH NEONATAL CHONDRODYSTROPHY, TYPE I; SHORT-RIB THORACIC DYSPLASIA 3/6 WITH POLYDACTYLY, DIGENIC; Short rib polydactyly syndrome 2B; Saldino-Noonan Syndrome. Identifiers: Orphanet 474, Orphanet 93269, Orphanet 93270, Orphanet 93271, MedGen C0036069, MONDO:0013127, OMIM 613091.
Jeune thoracic dystrophy. Also called: Short-rib thoracic dysplasia; Jeune syndrome; Infantile thoracic dystrophy; Thoracic pelvic phalangeal dystrophy; Jeune's syndrome; Chondroectodermal dysplasia-like syndrome. Identifiers: Orphanet 474, MedGen C0265275, MONDO:0018770.

Allele frequency attached by ClinVar (database versions not stated): gnomAD 0.00057 and 0.00070; TOPMed 0.00095; ExAC 0.00182; 1000 Genomes Project 30x 0.00234; 1000 Genomes Project 0.00260.
gnomAD v4.1: 926 of 1,591,156 alleles (0.058%); highest among the groups gnomAD compares: East Asian, 1.8%; 6 homozygotes.

Submissions (4):

Labcorp Genetics (formerly Invitae), Labcorp
Classification: Benign for Jeune thoracic dystrophy. Last evaluated: 2026-02-02. Review status: criteria provided, single submitter. Criteria: Invitae Variant Classification Sherloc (09022015). Collection method: clinical testing. Allele origin: germline.

ARUP Laboratories, Molecular Genetics and Genomics, ARUP Laboratories
Classification: Benign for Asphyxiating thoracic dystrophy 3. Last evaluated: 2023-11-03. Review status: criteria provided, single submitter. Criteria: ARUP Molecular Germline Variant Investigation Process 2024. Collection method: clinical testing. Allele origin: germline.

GeneDx
Classification: Likely benign. Last evaluated: 2021-01-28. Review status: criteria provided, single submitter. Criteria: GeneDx Variant Classification Process June 2021. Collection method: clinical testing. Allele origin: germline. Affected: yes.

Illumina Laboratory Services, Illumina
Classification: Benign for Asphyxiating thoracic dystrophy 3. Last evaluated: 2018-01-13. Review status: criteria provided, single submitter. Criteria: ICSL Variant Classification Criteria 13 December 2019. Collection method: clinical testing. Allele origin: germline.
Comment: This variant was observed in the ICSL laboratory as part of a predisposition screen in an ostensibly healthy population. It had not been previously curated by ICSL or reported in the Human Gene Mutation Database (HGMD: prior to June 1st, 2018), and was therefore a candidate for classification through an automated scoring system. Utilizing variant allele frequency, disease prevalence and penetrance estimates, and inheritance mode, an automated score was calculated to assess if this variant is too frequent to cause the disease. Based on the score and internal cut-off values, a variant classified as benign is not then subjected to further curation. The score for this variant resulted in a classification of benign for this disease.